The following is an entry in ClinVar:

NM_001844.5(COL2A1):c.1043dup (p.Gln349fs)

Gene: COL2A1 (collagen type II alpha 1 chain; minus strand). Cytogenetic location: 12q13.11.
Variant type: Duplication.
Coding change: c.1043dup on transcript NM_001844.5 (MANE Select); coding-DNA position 1043, one base duplicated (G; older notation c.1043dupG).
Protein change: p.Gln349fs; shifts the reading frame from glutamine 349.
Molecular consequence: frameshift variant.
Genome position (GRCh38, 1-based): chr12:47,989,786, C duplicated on the plus strand (G on the coding strand, the reverse complement: COL2A1 is on the minus strand); the first of 2 consecutive C bases (chr12:47,989,786-47,989,787); duplicating either gives the same sequence. VCF-style (leftmost placement, unchanged base first): chr12-47989785-A-AC. GRCh37 (hg19) VCF-style: chr12-48383568-A-AC.
Other names: c.836dup, p.Gln280fs (NM_033150.3); short protein forms Q280fs, Q349fs.
Identifiers: ClinVar variation 3345939 (VCV003345939.1).
Genomic context (GRCh38, chr12:47,989,785, plus strand): 5'-AGCAACAATGACCTGCTGAGGATGAAATGAACTTACCGGAGGCCCTGCGGGGCCTGGCTG[A>AC]CCATCGTTGCCTCGGGCACCCTGTGAGCAAGAAGGAAGTGACCATGAGAGGTGCCCACAG-3'

ClinVar aggregate classification (germline): Likely pathogenic (0 of 4 stars; one submission).

Conditions:
COL2A1-related disorder. Also called: COL2A1-related condition; COL2A1-related disorders.

Submission:

PreventionGenetics, part of Exact Sciences
Classification: Likely pathogenic for COL2A1-related condition. Last evaluated: 2024-05-31. Review status: no assertion criteria provided. Collection method: clinical testing. Allele origin: germline.
Comment: The COL2A1 c.1043dupG variant is predicted to result in a frameshift and premature protein termination (p.Gln349Serfs*28). To our knowledge, this variant has not been reported in the literature or in a large population database, indicating this variant is rare. Frameshift variants in COL2A1 are expected to be pathogenic. This variant is interpreted as likely pathogenic.